The following is an entry in ClinVar:

NM_004329.3(BMPR1A):c.132A>C (p.Ser44=)

Gene: BMPR1A (bone morphogenetic protein receptor type 1A; plus strand). Cytogenetic location: 10q23.2.
Variant type: single nucleotide variant.
Coding change: c.132A>C on transcript NM_004329.3 (MANE Select); coding-DNA position 132, A replaced by C.
Protein change: p.Ser44=; no amino-acid change (serine 44 retained).
Molecular consequence: synonymous variant.
Genome position (GRCh38, 1-based): chr10:86,890,126, A>C. VCF-style: chr10-86890126-A-C. GRCh37 (hg19) VCF-style: chr10-88649883-A-C.
Identifiers: ClinVar variation 482871 (VCV000482871.19), dbSNP rs1554888111, ClinGen allele CA470304530.

ClinVar aggregate classification (germline): Benign/Likely benign. Review status: criteria provided, multiple submitters, no conflicts (2 of 4 stars). 5 submissions from 5 submitters: Benign (1); Likely benign (4). Last evaluated 2026-01-31.

Conditions:
Juvenile polyposis syndrome (JPS). Identifiers: Orphanet 2929, MedGen C0345893, MONDO:0017380, OMIM 174900.
Hereditary cancer-predisposing syndrome. Also called: Hereditary neoplastic syndrome; Neoplastic Syndromes, Hereditary; Tumor predisposition; Hereditary Cancer Syndrome. Identifiers: Orphanet 140162, MedGen C0027672, MeSH D009386, MONDO:0015356.

Allele frequency attached by ClinVar (database versions not stated): gnomAD exomes below 0.00001.
gnomAD v4.1: 2 of 1,614,156 alleles (0.00012%); highest among the groups gnomAD compares: Non-Finnish European, 0.00017%; no homozygotes.

Submissions (5):

Labcorp Genetics (formerly Invitae), Labcorp
Classification: Likely benign for Juvenile polyposis syndrome. Last evaluated: 2026-01-31. Review status: criteria provided, single submitter. Criteria: Invitae Variant Classification Sherloc (09022015). Collection method: clinical testing. Allele origin: germline.

Myriad Genetics, Inc.
Classification: Benign for Juvenile polyposis syndrome. Last evaluated: 2024-07-31. Review status: criteria provided, single submitter. Criteria: Myriad Autosomal Dominant, Autosomal Recessive and X-Linked Classification Criteria (2023). Collection method: clinical testing. Allele origin: unknown.
Comment: This variant is considered benign. This variant is a silent/synonymous amino acid change and it is not expected to impact splicing.

All of Us Research Program, National Institutes of Health
Classification: Likely benign for Juvenile polyposis syndrome. Last evaluated: 2023-05-16. Review status: criteria provided, single submitter. Criteria: ACMG Guidelines, 2015. Collection method: clinical testing. Allele origin: germline. Inheritance: Autosomal dominant inheritance. Observed: 1 variant allele, 1 heterozygote.
Comment: This study involves interpretation of variants in research participants for the purpose of population health screening. Participant phenotype was not available at the time of variant classification. Additional details can be found in publication PMID: 35346344, PMCID: PMC8962531

Color Diagnostics, LLC DBA Color Health
Classification: Likely benign for Hereditary cancer-predisposing syndrome. Last evaluated: 2019-08-21. Review status: criteria provided, single submitter. Criteria: ACMG Guidelines, 2015. Collection method: clinical testing. Allele origin: germline.

Ambry Genetics
Classification: Likely benign for Hereditary cancer-predisposing syndrome. Last evaluated: 2016-09-24. Review status: criteria provided, single submitter. Criteria: Ambry Variant Classification Scheme 2023. Collection method: clinical testing. Allele origin: germline.